The following is an entry in ClinVar:

NM_000051.4(ATM):c.8196C>A (p.Phe2732Leu)

Genes: ATM (ATM serine/threonine kinase; plus strand), C11orf65 (chromosome 11 open reading frame 65; minus strand). Cytogenetic location: 11q22.3.
Variant type: single nucleotide variant.
Coding change: c.8196C>A on transcript NM_000051.4 (MANE Select); coding-DNA position 8196, C replaced by A.
Protein change: p.Phe2732Leu; replaces phenylalanine 2732 with leucine.
Molecular consequence: missense variant. On other transcripts: intron variant (2).
Genome position (GRCh38, 1-based): chr11:108,335,889, C>A. VCF-style: chr11-108335889-C-A. GRCh37 (hg19) VCF-style: chr11-108206616-C-A.
Other names: c.8196C>A, p.Phe2732Leu (NM_001351834.2); c.641-26818G>T (NM_001330368.2); c.695-597G>T (NM_001351110.2); short protein forms F2732L.
Identifiers: ClinVar variation 827499 (VCV000827499.7), dbSNP rs1183442138, ClinGen allele CA382562547.
Genomic context (GRCh38, chr11:108,335,889, plus strand): 5'-CTTAATTATTCTGAAGGGCCGTGATGACCTGAGACAAGATGCTGTCATGCAACAGGTCTT[C>A]CAGATGTGTAATACATTACTGCAGAGAAACACGGAAACTAGGAAGAGGAAATTAACTATC-3'
Protein context (NP_000042.3, residues 2722-2742): LRQDAVMQQV[Phe2732Leu]QMCNTLLQRN

ClinVar aggregate classification (germline): Uncertain significance. Review status: criteria provided, multiple submitters, no conflicts (2 of 4 stars). 3 submissions from 3 submitters: Uncertain significance (3). Last evaluated 2025-05-15.

Conditions:
Hereditary cancer-predisposing syndrome. Also called: Tumor predisposition; Neoplastic Syndromes, Hereditary; Hereditary Cancer Syndrome; Hereditary neoplastic syndrome. Identifiers: Orphanet 140162, MedGen C0027672, MeSH D009386, MONDO:0015356.
Ataxia-telangiectasia syndrome (AT). Also called: ATAXIA-TELANGIECTASIA, COMPLEMENTATION GROUP A; ATAXIA-TELANGIECTASIA, FRESNO VARIANT; Ataxia-telangiectasia; Ataxia-telangiectasia, complementation group D; AT, COMPLEMENTATION GROUP C; Ataxia-telangiectasia, complementation group E. Identifiers: Orphanet 100, MedGen C0004135, MONDO:0008840, OMIM 208900.

Submissions (3):

Labcorp Genetics (formerly Invitae), Labcorp
Classification: Uncertain significance for Ataxia-telangiectasia syndrome. Last evaluated: 2025-05-15. Review status: criteria provided, single submitter. Criteria: Invitae Variant Classification Sherloc (09022015). Collection method: clinical testing. Allele origin: germline.
Comment: This sequence change replaces phenylalanine, which is neutral and non-polar, with leucine, which is neutral and non-polar, at codon 2732 of the ATM protein (p.Phe2732Leu). This variant is not present in population databases (gnomAD no frequency). This variant has not been reported in the literature in individuals affected with ATM-related conditions. ClinVar contains an entry for this variant (Variation ID: 827499). Invitae Evidence Modeling of protein sequence and biophysical properties (such as structural, functional, and spatial information, amino acid conservation, physicochemical variation, residue mobility, and thermodynamic stability) indicates that this missense variant is expected to disrupt ATM protein function with a positive predictive value of 80%. In summary, the available evidence is currently insufficient to determine the role of this variant in disease. Therefore, it has been classified as a Variant of Uncertain Significance.

GeneDx
Classification: Uncertain significance. Last evaluated: 2024-11-20. Review status: criteria provided, single submitter. Criteria: GeneDx Variant Classification Process June 2021. Collection method: clinical testing. Allele origin: germline. Affected: yes.
Comment: Not observed at significant frequency in large population cohorts (gnomAD); In silico analysis supports that this missense variant has a deleterious effect on protein structure/function; Has not been previously published as pathogenic or benign to our knowledge; This variant is associated with the following publications: (PMID: 23532176)

Ambry Genetics
Classification: Uncertain significance for Hereditary cancer-predisposing syndrome. Last evaluated: 2019-08-19. Review status: criteria provided, single submitter. Criteria: Ambry Variant Classification Scheme 2023. Collection method: clinical testing. Allele origin: germline.
Comment: The p.F2732L variant (also known as c.8196C>A), located in coding exon 55 of the ATM gene, results from a C to A substitution at nucleotide position 8196. The phenylalanine at codon 2732 is replaced by leucine, an amino acid with highly similar properties. This amino acid position is highly conserved in available vertebrate species. In addition, this alteration is predicted to be deleterious by in silico analysis. Since supporting evidence is limited at this time, the clinical significance of this alteration remains unclear.